The following is an entry in ClinVar:

NM_030650.3(LNPK):c.801T>C (p.Gly267=)

Gene: LNPK (lunapark, ER junction formation factor; minus strand). Cytogenetic location: 2q31.1.
Variant type: single nucleotide variant.
Coding change: c.801T>C on transcript NM_030650.3 (MANE Select); coding-DNA position 801, T replaced by C.
Protein change: p.Gly267=; no amino-acid change (glycine 267 retained).
Molecular consequence: synonymous variant. On other transcripts: non-coding transcript variant (1).
Genome position (GRCh38, 1-based): chr2:175,939,563, A>G on the plus strand (T>C on the coding strand, the complement: LNPK is on the minus strand). VCF-style: chr2-175939563-A-G. GRCh37 (hg19) VCF-style: chr2-176804291-A-G.
Other names: c.999T>C, p.Gly333= (NM_001305008.1); c.894T>C, p.Gly298= (NM_001305009.1); c.807T>C, p.Gly269= (NM_001305010.1); c.432T>C, p.Gly144= (NM_001305011.2).
Identifiers: ClinVar variation 3770862 (VCV003770862.13).

ClinVar aggregate classification (germline): Likely benign (1 of 4 stars; one submission).

Submission:

CeGaT Center for Human Genetics Tuebingen
Classification: Likely benign. Last evaluated: 2025-02-01. Review status: criteria provided, single submitter. Criteria: CeGaT Center For Human Genetics Tuebingen Variant Classification Criteria Version 2. Collection method: clinical testing. Allele origin: germline. Affected: yes. Observed: 1 variant allele.
Comment: LNPK: PM2:Supporting, BP4, BP7